The following is an entry in ClinVar:

NM_001127222.2(CACNA1A):c.6339+309T>G

Gene: CACNA1A (calcium voltage-gated channel subunit alpha1 A; minus strand). Cytogenetic location: 19p13.13.
Variant type: single nucleotide variant.
Coding change: c.6339+309T>G on transcript NM_001127222.2 (MANE Select); 309 bases into the intron after coding-DNA position 6339, T replaced by G.
Molecular consequence: intron variant.
Genome position (GRCh38, 1-based): chr19:13,210,308, A>C on the plus strand (T>G on the coding strand, the complement: CACNA1A is on the minus strand). VCF-style: chr19-13210308-A-C. GRCh37 (hg19) VCF-style: chr19-13321122-A-C.
Other names: c.6342+309T>G (NM_001127221.2); c.6348+309T>G (NM_001174080.2); c.6357+309T>G (NM_000068.4, NM_023035.3).
Identifiers: ClinVar variation 668051 (VCV000668051.1), dbSNP rs7253618, ClinGen allele CA305548802.
Genomic context (GRCh38, chr19:13,210,308, plus strand): 5'-GGTGGCCCTGCTCCAGGTAGGAGCTGCAGGACCAGGGGTTGGTGGTGGTGTCAGGAGAAG[A>C]AGCCCCCCAGAAAGAGGTGCAGAGTGGGCCAGGCTCTTGGAGAGCCAGTGTCCTCCGGCG-3'

ClinVar aggregate classification (germline): Benign (1 of 4 stars; one submission).

Allele frequency attached by ClinVar (database versions not stated): 1000 Genomes Project 30x 0.83963; 1000 Genomes Project 0.84385; gnomAD 0.84841 and 0.85048; TOPMed 0.85237.
gnomAD v4.1: 129,341 of 152,018 alleles (85%); highest among the groups gnomAD compares: Non-Finnish European, 90%; 55,350 homozygotes.

Submission:

GeneDx
Classification: Benign. Last evaluated: 2018-06-18. Review status: criteria provided, single submitter. Criteria: GeneDx Variant Classification (06012015). Collection method: clinical testing. Allele origin: germline. Affected: yes.
Comment: This variant is considered likely benign or benign based on one or more of the following criteria: it is a conservative change, it occurs at a poorly conserved position in the protein, it is predicted to be benign by multiple in silico algorithms, and/or has population frequency not consistent with disease.